The following is an entry in ClinVar:

ClinVar aggregate classification (germline): Pathogenic (1 of 4 stars; one submission).

Conditions:
Fabry disease. Also called: Fabry's disease; ALPHA-GALACTOSIDASE A DEFICIENCY; ANDERSON-FABRY DISEASE; CERAMIDE TRIHEXOSIDASE DEFICIENCY; GLA DEFICIENCY; HEREDITARY DYSTOPIC LIPIDOSIS. Identifiers: Orphanet 324, MedGen C0002986, MONDO:0010526, OMIM 301500, HP:0001071. Disease mechanism: Fabry disease is due to inactivating mutations in the X-linked GLA gene resulting in deficiency of the enzyme Alpha Galactosidase-A., loss of function.

Submission:

Labcorp Genetics (formerly Invitae), Labcorp
Classification: Pathogenic for Fabry disease. Last evaluated: 2023-11-10. Review status: criteria provided, single submitter. Criteria: Invitae Variant Classification Sherloc (09022015). Collection method: clinical testing. Allele origin: germline.
Comment: This sequence change creates a premature translational stop signal (p.Pro389Glnfs*4) in the GLA gene. While this is not anticipated to result in nonsense mediated decay, it is expected to disrupt the last 41 amino acid(s) of the GLA protein. This variant is not present in population databases (gnomAD no frequency). This variant has not been reported in the literature in individuals affected with GLA-related conditions. This variant disrupts a region of the GLA protein in which other variant(s) (p.Arg404del) have been determined to be pathogenic (PMID: 7504405, 9100224, 15091117, 25386848, 26415523). This suggests that this is a clinically significant region of the protein, and that variants that disrupt it are likely to be disease-causing. For these reasons, this variant has been classified as Pathogenic.

Literature cited by the submitters: PubMed 7504405; PubMed 9100224; PubMed 15091117; PubMed 25386848; PubMed 26415523.

NM_000169.3(GLA):c.1166_1168delinsAGACTAGCTGAGTAACACAGCTGTGTTCCAGACTAGCTGAGTAACAAAGAGAGACACCCAACACAAAAACTAAAATTAGCCAGGTATGGTAACAGGCACCTATAGTCCCAGCTACTCAGGAGGCTGAGGCAGGTGGACCACTTGAGCCTGCAAGCTCAAAGCTGTAGCAAGCTATGATCCACACCACTGGCACTTACGAGAGGGAGACCCTGTCTCAAAAAAAAAAAAAAAACTCCACTGGGGGGTTTCATACACTAGAAAACCTATTCTTTGTAGTTATTTTGGTATAAATATATCTACTTTAAAATGTGAGGGGGAATGTCAAAATGTTCAAGAGTGTAAGACCAAGTCCACAGACAATGTTATATATGTTACAGTGTACTGTGTCTGAAGAACAATGCCAAAATTCTTTATTAAATTAACTGTTATAACAAAGATCTGACACTTAACTCTTAGCAAAGACATCTCATATTCACTATGAATGTGTTACTGACTTCTCCCTATTAGCCTGAAATGTGTCTACTCACATGATAACCAATAACCATTGCATAATGACAAACTGCCTCATAAGGCCCCTAGTGATTGAAGTGCCAAATTAGAAAATTGCAACATATGATGTGAACTCAACCAGTCAGCTTCAATGCAAAACAAGTAGTACCAGTAAGAGGCATAAATTTCCCCACAAGCGGAATTGTATTGATGGCTCTAGCTTATTCCCTCCCAAAAGA (p.Pro389_Val390delinsGlnThrSerTer)

Genes: GLA (galactosidase alpha; minus strand), RPL36A-HNRNPH2 (RPL36A-HNRNPH2 readthrough; plus strand). Cytogenetic location: Xq22.1.
Variant type: Indel.
Coding change: c.1166_1168delinsAGACTAGCTGAGTAACACAGCTGTGTTCCAGACTAGCTGAGTAACAAAGAGAGACACCCAACACAAAAACTAAAATTAGCCAGGTATGGTAACAGGCACCTATAGTCCCAGCTACTCAGGAGGCTGAGGCAGGTGGACCACTTGAGCCTGCAAGCTCAAAGCTGTAGCAAGCTATGATCCACACCACTGGCACTTACGAGAGGGAGACCCTGTCTCAAAAAAAAAAAAAAAACTCCACTGGGGGGTTTCATACACTAGAAAACCTATTCTTTGTAGTTATTTTGGTATAAATATATCTACTTTAAAATGTGAGGGGGAATGTCAAAATGTTCAAGAGTGTAAGACCAAGTCCACAGACAATGTTATATATGTTACAGTGTACTGTGTCTGAAGAACAATGCCAAAATTCTTTATTAAATTAACTGTTATAACAAAGATCTGACACTTAACTCTTAGCAAAGACATCTCATATTCACTATGAATGTGTTACTGACTTCTCCCTATTAGCCTGAAATGTGTCTACTCACATGATAACCAATAACCATTGCATAATGACAAACTGCCTCATAAGGCCCCTAGTGATTGAAGTGCCAAATTAGAAAATTGCAACATATGATGTGAACTCAACCAGTCAGCTTCAATGCAAAACAAGTAGTACCAGTAAGAGGCATAAATTTCCCCACAAGCGGAATTGTATTGATGGCTCTAGCTTATTCCCTCCCAAAAGA on transcript NM_000169.3 (MANE Select); coding-DNA positions 1166 to 1168, the reference bases replaced by an inserted sequence.
Protein change: p.Pro389_Val390delinsGlnThrSerTer.
Molecular consequence: nonsense. On other transcripts: non-coding transcript variant (3), intron variant (2).
Genome position (GRCh38, 1-based): chrX:101,397,931-101,397,933, 3 bases replaced. GRCh37 (hg19): chrX:100,652,919-100,652,921.
Other names: c.1289_1291delinsAGACTAGCTGAGTAACACAGCTGTGTTCCAGACTAGCTGAGTAACAAAGAGAGACACCCAACACAAAAACTAAAATTAGCCAGGTATGGTAACAGGCACCTATAGTCCCAGCTACTCAGGAGGCTGAGGCAGGTGGACCACTTGAGCCTGCAAGCTCAAAGCTGTAGCAAGCTATGATCCACACCACTGGCACTTACGAGAGGGAGACCCTGTCTCAAAAAAAAAAAAAAAACTCCACTGGGGGGTTTCATACACTAGAAAACCTATTCTTTGTAGTTATTTTGGTATAAATATATCTACTTTAAAATGTGAGGGGGAATGTCAAAATGTTCAAGAGTGTAAGACCAAGTCCACAGACAATGTTATATATGTTACAGTGTACTGTGTCTGAAGAACAATGCCAAAATTCTTTATTAAATTAACTGTTATAACAAAGATCTGACACTTAACTCTTAGCAAAGACATCTCATATTCACTATGAATGTGTTACTGACTTCTCCCTATTAGCCTGAAATGTGTCTACTCACATGATAACCAATAACCATTGCATAATGACAAACTGCCTCATAAGGCCCCTAGTGATTGAAGTGCCAAATTAGAAAATTGCAACATATGATGTGAACTCAACCAGTCAGCTTCAATGCAAAACAAGTAGTACCAGTAAGAGGCATAAATTTCCCCACAAGCGGAATTGTATTGATGGCTCTAGCTTATTCCCTCCCAAAAGA, p.Pro430_Val431delinsGlnThrSerTer (NM_001406747.1); c.300+2474_300+2476delinsTCTTTTGGGAGGGAATAAGCTAGAGCCATCAATACAATTCCGCTTGTGGGGAAATTTATGCCTCTTACTGGTACTACTTGTTTTGCATTGAAGCTGACTGGTTGAGTTCACATCATATGTTGCAATTTTCTAATTTGGCACTTCAATCACTAGGGGCCTTATGAGGCAGTTTGTCATTATGCAATGGTTATTGGTTATCATGTGAGTAGACACATTTCAGGCTAATAGGGAGAAGTCAGTAACACATTCATAGTGAATATGAGATGTCTTTGCTAAGAGTTAAGTGTCAGATCTTTGTTATAACAGTTAATTTAATAAAGAATTTTGGCATTGTTCTTCAGACACAGTACACTGTAACATATATAACATTGTCTGTGGACTTGGTCTTACACTCTTGAACATTTTGACATTCCCCCTCACATTTTAAAGTAGATATATTTATACCAAAATAACTACAAAGAATAGGTTTTCTAGTGTATGAAACCCCCCAGTGGAGTTTTTTTTTTTTTTTTGAGACAGGGTCTCCCTCTCGTAAGTGCCAGTGGTGTGGATCATAGCTTGCTACAGCTTTGAGCTTGCAGGCTCAAGTGGTCCACCTGCCTCAGCCTCCTGAGTAGCTGGGACTATAGGTGCCTGTTACCATACCTGGCTAATTTTAGTTTTTGTGTTGGGTGTCTCTCTTTGTTACTCAGCTAGTCTGGAACACAGCTGTGTTACTCAGCTAGTCT (NM_001199973.2); c.177+6109_177+6111delinsTCTTTTGGGAGGGAATAAGCTAGAGCCATCAATACAATTCCGCTTGTGGGGAAATTTATGCCTCTTACTGGTACTACTTGTTTTGCATTGAAGCTGACTGGTTGAGTTCACATCATATGTTGCAATTTTCTAATTTGGCACTTCAATCACTAGGGGCCTTATGAGGCAGTTTGTCATTATGCAATGGTTATTGGTTATCATGTGAGTAGACACATTTCAGGCTAATAGGGAGAAGTCAGTAACACATTCATAGTGAATATGAGATGTCTTTGCTAAGAGTTAAGTGTCAGATCTTTGTTATAACAGTTAATTTAATAAAGAATTTTGGCATTGTTCTTCAGACACAGTACACTGTAACATATATAACATTGTCTGTGGACTTGGTCTTACACTCTTGAACATTTTGACATTCCCCCTCACATTTTAAAGTAGATATATTTATACCAAAATAACTACAAAGAATAGGTTTTCTAGTGTATGAAACCCCCCAGTGGAGTTTTTTTTTTTTTTTTGAGACAGGGTCTCCCTCTCGTAAGTGCCAGTGGTGTGGATCATAGCTTGCTACAGCTTTGAGCTTGCAGGCTCAAGTGGTCCACCTGCCTCAGCCTCCTGAGTAGCTGGGACTATAGGTGCCTGTTACCATACCTGGCTAATTTTAGTTTTTGTGTTGGGTGTCTCTCTTTGTTACTCAGCTAGTCTGGAACACAGCTGTGTTACTCAGCTAGTCT (NM_001199974.2).
Identifiers: ClinVar variation 2694738 (VCV002694738.3), dbSNP rs2520850153, ClinGen allele CA2697544660.